The following is an entry in ClinVar:

NM_172362.3(KCNH1):c.299A>G (p.Tyr100Cys)

Gene: KCNH1 (potassium voltage-gated channel subfamily H member 1; minus strand). Cytogenetic location: 1q32.2.
Variant type: single nucleotide variant.
Coding change: c.299A>G on transcript NM_172362.3 (MANE Select); coding-DNA position 299, A replaced by G.
Protein change: p.Tyr100Cys; replaces tyrosine 100 with cysteine.
Molecular consequence: missense variant.
Genome position (GRCh38, 1-based): chr1:211,103,507, T>C on the plus strand (A>G on the coding strand, the complement: KCNH1 is on the minus strand). VCF-style: chr1-211103507-T-C. GRCh37 (hg19) VCF-style: chr1-211276849-T-C.
Other names: c.299A>G, p.Tyr100Cys (NM_002238.4); short protein forms Y100C.
Identifiers: ClinVar variation 3707221 (VCV003707221.2).

ClinVar aggregate classification (germline): Uncertain significance (1 of 4 stars; one submission).

gnomAD v4.1: 4 of 1,605,630 alleles (0.00025%); highest among the groups gnomAD compares: South Asian, 0.0033%; no homozygotes.

Submission:

Labcorp Genetics (formerly Invitae), Labcorp
Classification: Uncertain significance. Last evaluated: 2024-03-15. Review status: criteria provided, single submitter. Criteria: Invitae Variant Classification Sherloc (09022015). Collection method: clinical testing. Allele origin: germline.
Comment: This sequence change replaces tyrosine, which is neutral and polar, with cysteine, which is neutral and slightly polar, at codon 100 of the KCNH1 protein (p.Tyr100Cys). This variant is present in population databases (rs766754245, gnomAD 0.003%). This variant has not been reported in the literature in individuals affected with KCNH1-related conditions. Advanced modeling of protein sequence and biophysical properties (such as structural, functional, and spatial information, amino acid conservation, physicochemical variation, residue mobility, and thermodynamic stability) performed at Invitae indicates that this missense variant is expected to disrupt KCNH1 protein function with a positive predictive value of 95%. In summary, the available evidence is currently insufficient to determine the role of this variant in disease. Therefore, it has been classified as a Variant of Uncertain Significance.